The following is an entry in ClinVar:

NM_001194.4(HCN2):c.970C>T (p.Arg324Cys)

Genes: HCN2 (hyperpolarization activated cyclic nucleotide gated potassium and sodium channel 2; plus strand), LOC129391015 (MPRA-validated peak3211 silencer; plus strand). Cytogenetic location: 19p13.3.
Variant type: single nucleotide variant.
Coding change: c.970C>T on transcript NM_001194.4 (MANE Select); coding-DNA position 970, C replaced by T.
Protein change: p.Arg324Cys; replaces arginine 324 with cysteine.
Molecular consequence: missense variant.
Genome position (GRCh38, 1-based): chr19:603,881, C>T. VCF-style: chr19-603881-C-T. GRCh37 (hg19) VCF-style: chr19-603881-C-T.
Other names: short protein forms R324C.
Identifiers: ClinVar variation 1308206 (VCV001308206.3), dbSNP rs2144516632, ClinGen allele CA402875550.

ClinVar aggregate classification (germline): Conflicting classifications of pathogenicity. Review status: criteria provided, conflicting classifications (1 of 4 stars). 2 submissions from 2 submitters: Pathogenic (1); Uncertain significance (1). Last evaluated 2024-02-07.

Conditions:
HCN2 related developmental and epileptic encephalopathy.

Submissions (2):

Department of Genetics, CHU d'Angers
Classification: Pathogenic for HCN2 related developmental and epileptic encephalopathy. Last evaluated: 2024-02-07. Review status: criteria provided, single submitter. Criteria: ACMG Guidelines, 2015. Collection method: research. Allele origin: de novo. Affected: yes.

GeneDx
Classification: Uncertain significance. Last evaluated: 2019-09-27. Review status: criteria provided, single submitter. Criteria: GeneDx Variant Classification Process June 2021. Collection method: clinical testing. Allele origin: germline. Affected: yes.
Comment: Has not been previously published as pathogenic or benign to our knowledge; Not observed in large population cohorts (Lek et al., 2016); In silico analysis, which includes protein predictors and evolutionary conservation, supports a deleterious effect